The following is an entry in ClinVar:

ClinVar aggregate classification (germline): Uncertain significance (1 of 4 stars; one submission).

Conditions:
Inborn genetic diseases. Identifiers: MedGen C0950123, MeSH D030342.

Submission:

Ambry Genetics
Classification: Uncertain significance for Inborn genetic diseases. Last evaluated: 2022-10-29. Review status: criteria provided, single submitter. Criteria: Ambry Variant Classification Scheme 2023. Collection method: clinical testing. Allele origin: germline.
Comment: The p.A660E variant (also known as c.1979C>A), located in coding exon 21 of the ERCC2 gene, results from a C to A substitution at nucleotide position 1979. The alanine at codon 660 is replaced by glutamic acid, an amino acid with dissimilar properties. This amino acid position is conserved. In addition, this alteration is predicted to be deleterious by in silico analysis. Since supporting evidence is limited at this time, the clinical significance of this alteration remains unclear.

NM_000400.4(ERCC2):c.1979C>A (p.Ala660Glu)

Gene: ERCC2 (ERCC excision repair 2, TFIIH core complex helicase subunit; minus strand). Cytogenetic location: 19q13.32.
Variant type: single nucleotide variant.
Coding change: c.1979C>A on transcript NM_000400.4 (MANE Select); coding-DNA position 1979, C replaced by A.
Protein change: p.Ala660Glu; replaces alanine 660 with glutamic acid.
Molecular consequence: missense variant.
Genome position (GRCh38, 1-based): chr19:45,352,573, G>T on the plus strand (C>A on the coding strand, the complement: ERCC2 is on the minus strand). VCF-style: chr19-45352573-G-T. GRCh37 (hg19) VCF-style: chr19-45855831-G-T.
Other names: short protein forms A660E.
Identifiers: ClinVar variation 1783761 (VCV001783761.2), dbSNP rs747646421, ClinGen allele CA406363157.
Genomic context (GRCh38, chr19:45,352,573, plus strand): 5'-GCAAAGACCATGAGGCCGTAGTCCGTCTTGCCCCTGATGGCCCGACCCACACACTGGGCC[G>T]CGTGGCGCATGGCATCGAAGGTAAGAAAGTCATTCTCACGAATCTGGAACTGGTCCCGCA-3'
Protein context (NP_000391.1, residues 650-670): DFLTFDAMRH[Ala660Glu]AQCVGRAIRG